The following is an entry in ClinVar:

NM_001040431.3(COA3):c.194G>A (p.Gly65Glu)

Gene: COA3 (cytochrome c oxidase assembly factor 3; minus strand). Cytogenetic location: 17q21.2.
Variant type: single nucleotide variant.
Coding change: c.194G>A on transcript NM_001040431.3 (MANE Select); coding-DNA position 194, G replaced by A.
Protein change: p.Gly65Glu; replaces glycine 65 with glutamic acid.
Molecular consequence: missense variant.
Genome position (GRCh38, 1-based): chr17:42,798,488, C>T on the plus strand (G>A on the coding strand, the complement: COA3 is on the minus strand). VCF-style: chr17-42798488-C-T. GRCh37 (hg19) VCF-style: chr17-40950506-C-T.
Other names: short protein forms G65E.
Identifiers: ClinVar variation 4293935 (VCV004293935.1).

ClinVar aggregate classification (germline): Uncertain significance (1 of 4 stars; one submission).

Conditions:
Mitochondrial complex IV deficiency, nuclear type 14. Also called: Mitochondrial complex 4 deficiency, nuclear type 14. Identifiers: MedGen C5436710, MONDO:0033649, OMIM 619058.

Submission:

3billion
Classification: Uncertain significance for Mitochondrial complex IV deficiency, nuclear type 14. Last evaluated: 2024-11-14. Review status: criteria provided, single submitter. Criteria: ACMG Guidelines, 2015. Collection method: clinical testing. Allele origin: germline. Affected: yes.
Comment: The variant is not observed in the gnomAD v4.1.0 dataset. Predicted Consequence/Location: Missense variant In silico tool predictions suggest damaging effect of the variant on gene or gene product [REVEL: 0.70 (>=0.6, sensitivity 0.68 and specificity 0.92)]. Therefore, this variant is classified as VUS according to the recommendation of ACMG/AMP guideline.